The following is an entry in ClinVar:

NM_001035.3(RYR2):c.8794T>C (p.Tyr2932His)

Gene: RYR2 (ryanodine receptor 2; plus strand). Cytogenetic location: 1q43.
Variant type: single nucleotide variant.
Coding change: c.8794T>C on transcript NM_001035.3 (MANE Select); coding-DNA position 8794, T replaced by C.
Protein change: p.Tyr2932His; replaces tyrosine 2932 with histidine.
Molecular consequence: missense variant.
Genome position (GRCh38, 1-based): chr1:237,674,810, T>C. VCF-style: chr1-237674810-T-C. GRCh37 (hg19) VCF-style: chr1-237838110-T-C.
Other names: short protein forms Y2932H.
Identifiers: ClinVar variation 810751 (VCV000810751.3), dbSNP rs1573466838, ClinGen allele CA345403361.
Genomic context (GRCh38, chr1:237,674,810, plus strand): 5'-CTGGACACGCCTTCTATTGAGAAACGATTTGCCTATAGTTTCCTCCAACAACTCATTCGC[T>C]ATGTGGATGAAGCCCATCAGTATATCCTGGAGTTTGGTAGGTACCATAGTCCCATTGCTA-3'
Protein context (NP_001026.2, residues 2922-2942): AYSFLQQLIR[Tyr2932His]VDEAHQYILE

ClinVar aggregate classification (germline): Uncertain significance. Review status: criteria provided, multiple submitters, no conflicts (2 of 4 stars). 2 submissions from 2 submitters: Uncertain significance (2). Last evaluated 2025-06-26.

Conditions:
Cardiomyopathy (CMYO). Also called: Cardiomyopathies. Identifiers: Orphanet 167848, MedGen C0878544, MONDO:0004994, HP:0001638. Inheritance: Various modes of inheritance.
Hypertrophic cardiomyopathy. Also called: HYPERTROPHIC MYOCARDIOPATHY. Identifiers: Orphanet 217569, MedGen C0007194, MeSH D002312, MONDO:0005045, HP:0001639.

Allele frequency attached by ClinVar (database versions not stated): gnomAD exomes below 0.00001.
gnomAD v4.1: 2 of 1,610,558 alleles (0.00012%); highest among the groups gnomAD compares: Non-Finnish European, 0.00017%; no homozygotes.

Submissions (2):

Color Diagnostics, LLC DBA Color Health
Classification: Uncertain significance for Cardiomyopathy. Last evaluated: 2025-06-26. Review status: criteria provided, single submitter. Criteria: ACMG Guidelines, 2015. Collection method: clinical testing. Allele origin: germline.
Comment: This missense variant replaces tyrosine with histidine at codon 2932 of the RYR2 protein. Computational prediction suggests that this variant may have deleterious impact on protein structure and function. To our knowledge, functional studies have not been reported for this variant. This variant has been reported in an individual affected with arrhythmogenic right ventricular cardiomyopathy/dysplasia (PMID: 25041964). This variant has not been identified in the general population by the Genome Aggregation Database (gnomAD). The available evidence is insufficient to determine the role of this variant in disease conclusively. Therefore, this variant is classified as a Variant of Uncertain Significance.

Agnes Ginges Centre for Molecular Cardiology, Centenary Institute
Classification: Uncertain significance for Hypertrophic cardiomyopathy. Last evaluated: 2018-10-11. Review status: criteria provided, single submitter. Criteria: ACMG Guidelines, 2015. Collection method: research. Allele origin: germline. Inheritance: Autosomal dominant inheritance. Affected: yes.
Comment: RYR2 Tyr2932His is rare, being absent from the Genome Aggregation Database. Furthermore the variant has only ever been reported in an ARVC proband (Roux-Buisson N et al., 2014). In silico prediction tools are not in agreement; SIFT and PolyPhen-2 predict the variant to be benign, whereas MutationTaster predicts the variant to be disease-causing. In summary, based on the lack of evidence in support of RYR2 causing HCM, we classify this as a variant of 'uncertain significance'.

Literature cited by the submitters: PubMed 25041964 (cited by Color Diagnostics, LLC DBA Color Health and Agnes Ginges Centre for Molecular Cardiology, Centenary Institute).